The following is an entry in ClinVar:

NM_001395656.1(ROBO2):c.1549A>G (p.Ser517Gly)

Gene: ROBO2 (roundabout guidance receptor 2; plus strand). Cytogenetic location: 3p12.3.
Variant type: single nucleotide variant.
Coding change: c.1549A>G on transcript NM_001395656.1 (MANE Select); coding-DNA position 1549, A replaced by G.
Protein change: p.Ser517Gly; replaces serine 517 with glycine.
Molecular consequence: missense variant. On other transcripts: 5 prime UTR variant (1).
Genome position (GRCh38, 1-based): chr3:77,563,184, A>G. VCF-style: chr3-77563184-A-G. GRCh37 (hg19) VCF-style: chr3-77612335-A-G.
Other names: c.1585A>G, p.Ser529Gly (NM_001128929.3); c.1549A>G, p.Ser517Gly (NM_001290039.2, NM_001290040.2, NM_001378202.1); c.-382A>G (NM_001290065.2); c.1597A>G, p.Ser533Gly (NM_001378190.1, NM_001378191.1, NM_001378195.1 and 4 more transcripts); c.1618A>G, p.Ser540Gly (NM_001378192.1, NM_001378194.1, NM_001378198.1 and 2 more transcripts); c.1537A>G, p.Ser513Gly (NM_001378193.1, NM_001378197.1, NM_002942.5); c.1606A>G, p.Ser536Gly (NM_001394212.1, NM_001394214.1, NM_001395657.1); short protein forms S517G, S540G, S536G, S513G, S529G, S533G.
Identifiers: ClinVar variation 3314989 (VCV003314989.2).
Genomic context (GRCh38, chr3:77,563,184, plus strand): 5'-TTATGCAATCAGGAATGAAGTTTTTTCTGTCTGTCCTCTATAGAGTCTGGAGCAACAATC[A>G]GTAAAAACTATGATTTAAGTGACCTGCCAGGGCCACCATCCAAACCGCAGGTCACTGATG-3'
Protein context (NP_001382585.1, residues 507-527): LDVTESGATI[Ser517Gly]KNYDLSDLPG

ClinVar aggregate classification (germline): Uncertain significance. Review status: criteria provided, multiple submitters, no conflicts (2 of 4 stars). 2 submissions from 2 submitters: Uncertain significance (2). Last evaluated 2025-05-15.

Conditions:
Inborn genetic diseases. Identifiers: MedGen C0950123, MeSH D030342.

gnomAD v4.1: 6 of 1,613,268 alleles (0.00037%); highest among the groups gnomAD compares: Admixed American, 0.01%; no homozygotes.

Submissions (2):

Labcorp Genetics (formerly Invitae), Labcorp
Classification: Uncertain significance. Last evaluated: 2025-05-15. Review status: criteria provided, single submitter. Criteria: Invitae Variant Classification Sherloc (09022015). Collection method: clinical testing. Allele origin: germline.
Comment: This sequence change replaces serine, which is neutral and polar, with glycine, which is neutral and non-polar, at codon 513 of the ROBO2 protein (p.Ser513Gly). This variant is present in population databases (no rsID available, gnomAD 0.01%). This variant has not been reported in the literature in individuals affected with ROBO2-related conditions. ClinVar contains an entry for this variant (Variation ID: 3314989). Invitae Evidence Modeling of protein sequence and biophysical properties (such as structural, functional, and spatial information, amino acid conservation, physicochemical variation, residue mobility, and thermodynamic stability) indicates that this missense variant is not expected to disrupt ROBO2 protein function with a negative predictive value of 95%. In summary, the available evidence is currently insufficient to determine the role of this variant in disease. Therefore, it has been classified as a Variant of Uncertain Significance.

Ambry Genetics
Classification: Uncertain significance for Inborn genetic diseases. Last evaluated: 2024-03-19. Review status: criteria provided, single submitter. Criteria: Ambry Variant Classification Scheme 2023. Collection method: clinical testing. Allele origin: germline.